The following is an entry in ClinVar:

ClinVar aggregate classification (germline): Uncertain significance (1 of 4 stars; one submission).

Allele frequency attached by ClinVar (database versions not stated): gnomAD exomes 0.00001.
gnomAD v4.1: 8 of 1,608,826 alleles (0.0005%); highest among the groups gnomAD compares: Non-Finnish European, 0.00068%; no homozygotes.

Submission:

Labcorp Genetics (formerly Invitae), Labcorp
Classification: Uncertain significance. Last evaluated: 2022-10-17. Review status: criteria provided, single submitter. Criteria: Invitae Variant Classification Sherloc (09022015). Collection method: clinical testing. Allele origin: germline.
Comment: In summary, the available evidence is currently insufficient to determine the role of this variant in disease. Therefore, it has been classified as a Variant of Uncertain Significance. Algorithms developed to predict the effect of sequence changes on RNA splicing suggest that this variant may disrupt the consensus splice site. This variant has not been reported in the literature in individuals affected with TNNT3-related conditions. The frequency data for this variant in the population databases is considered unreliable, as metrics indicate poor data quality at this position in the gnomAD database. This sequence change affects an acceptor splice site in intron 12 of the TNNT3 gene. It is expected to disrupt RNA splicing. Variants that disrupt the donor or acceptor splice site typically lead to a loss of protein function (PMID: 16199547), however the current clinical and genetic evidence is not sufficient to establish whether loss-of-function variants in TNNT3 cause disease.

Literature cited by the submitters: PubMed 16199547.

NM_006757.4(TNNT3):c.481-2A>G

Gene: TNNT3 (troponin T3, fast skeletal type; plus strand). Cytogenetic location: 11p15.5.
Variant type: single nucleotide variant.
Coding change: c.481-2A>G on transcript NM_006757.4 (MANE Select); the canonical splice acceptor site of the intron before coding-DNA position 481, A replaced by G.
Molecular consequence: splice acceptor variant.
Genome position (GRCh38, 1-based): chr11:1,934,544, A>G. VCF-style: chr11-1934544-A-G. GRCh37 (hg19) VCF-style: chr11-1955774-A-G.
Other names: c.457-2A>G (NM_001297646.2, NM_001042780.3, NM_001042782.3 and 2 more transcripts); c.514-2A>G (NM_001367846.1); c.490-2A>G (NM_001363561.2, NM_001367847.1); c.475-2A>G (NM_001042781.3, NM_001367843.1, NM_001367842.1); c.478-2A>G (NM_001367848.1); c.424-2A>G (NM_001367850.1); c.277-2A>G (NM_001367851.1, NM_001367852.1); c.469-2A>G (NM_001367849.1).
Identifiers: ClinVar variation 1934178 (VCV001934178.5), dbSNP rs1042744302, ClinGen allele CA216210163.
Genomic context (GRCh38, chr11:1,934,544, plus strand): 5'-TGTGGGCTACGCCCTGTGCCCTCCTGAGACCAGGCCCCTCTCTTTGGGCCTGTCCGCTGC[A>G]GGCTGACCAGAAGAGAGGCAAGAAGCAGACAGCCCGGGAAATGAAGAAGAAGATTCTGGC-3'